The following is an entry in ClinVar:

NM_007294.4(BRCA1):c.2500G>T (p.Gly834Ter)

Gene: BRCA1 (BRCA1 DNA repair associated; minus strand). Cytogenetic location: 17q21.31.
Variant type: single nucleotide variant.
Coding change: c.2500G>T on transcript NM_007294.4 (MANE Select); coding-DNA position 2500, G replaced by T.
Protein change: p.Gly834Ter; replaces glycine 834 with a stop codon.
Molecular consequence: nonsense. On other transcripts: intron variant (137).
Genome position (GRCh38, 1-based): chr17:43,093,031, C>A on the plus strand (G>T on the coding strand, the complement: BRCA1 is on the minus strand). VCF-style: chr17-43093031-C-A. GRCh37 (hg19) VCF-style: chr17-41245048-C-A.
Other names: c.2167G>T, p.Gly723Ter (NM_001407949.1, NM_001407950.1, NM_001407951.1 and 6 more transcripts); c.2164G>T, p.Gly722Ter (NM_001407954.1, NM_001407955.1, NM_001407956.1 and 1 more transcripts); c.2119G>T, p.Gly707Ter (NM_001407959.1, NM_001407960.1, NM_001407963.1); c.2116G>T, p.Gly706Ter (NM_001407962.1); c.2356G>T, p.Gly786Ter (NM_001407964.1, NM_001407740.1, NM_001407741.1 and 20 more transcripts); c.1996G>T, p.Gly666Ter (NM_001407965.1); c.1612G>T, p.Gly538Ter (NM_001407966.1, NM_001407967.1); c.2359G>T, p.Gly787Ter (NM_007297.4, NM_001407692.1, NM_001407694.1 and 29 more transcripts); and 41 more; short protein forms G787*, G834*, G538*, G723*, G766*, G767*, G807*, G831*.
Identifiers: ClinVar variation 1076402 (VCV001076402.9), dbSNP rs786202215, ClinGen allele CA10596997.
Genomic context (GRCh38, chr17:43,093,031, plus strand): 5'-CATCAAGTTCACTTTCTTCCATTTCTATGCTTGTTTCCCGACTGTGGTTAACTTCATGTC[C>A]CAATGGATACTTAAAGCCTTCTGTGTCATTTCTATTATCTTTGGAACAACCATGAATTAG-3'

ClinVar aggregate classification (germline): Pathogenic. Review status: criteria provided, multiple submitters, no conflicts (2 of 4 stars). 2 submissions from 2 submitters: Pathogenic (2). Last evaluated 2024-10-31.

Conditions:
Hereditary cancer-predisposing syndrome. Also called: Tumor predisposition; Hereditary neoplastic syndrome; Neoplastic Syndromes, Hereditary; Hereditary Cancer Syndrome. Identifiers: Orphanet 140162, MedGen C0027672, MeSH D009386, MONDO:0015356.
Hereditary breast ovarian cancer syndrome. Also called: Hereditary breast and ovarian cancer; Breast and ovarian cancer; BRCA1- and BRCA2-Associated Hereditary Breast and Ovarian Cancer; Hereditary breast and/or ovarian cancer syndrome; Hereditary breast and ovarian cancer syndrome; Hereditary breast and ovarian cancer syndrome (HBOC). Identifiers: Orphanet 145, MedGen C0677776, MeSH D061325, MONDO:0003582. Disease mechanism: loss of function.

Submissions (2):

Ambry Genetics
Classification: Pathogenic for Hereditary cancer-predisposing syndrome. Last evaluated: 2024-10-31. Review status: criteria provided, single submitter. Criteria: Ambry Variant Classification Scheme 2023. Collection method: clinical testing. Allele origin: germline.
Comment: The p.G834* pathogenic mutation (also known as c.2500G>T), located in coding exon 9 of the BRCA1 gene, results from a G to T substitution at nucleotide position 2500. This changes the amino acid from a glycine to a stop codon within coding exon 9. This variant was reported in multiple individuals with features consistent with BRCA1-related cancer predisposition (Oranratnachai S et al. Cancer Rep (Hoboken), 2023 Jan;6:e1664; Kansuttiviwat C et al. NPJ Genom Med, 2024 Feb;9:9). This variant is considered to be rare based on population cohorts in the Genome Aggregation Database (gnomAD). In addition to the clinical data presented in the literature, this alteration is expected to result in loss of function by premature protein truncation or nonsense-mediated mRNA decay. As such, this alteration is interpreted as a disease-causing mutation.

Labcorp Genetics (formerly Invitae), Labcorp
Classification: Pathogenic for Hereditary breast ovarian cancer syndrome. Last evaluated: 2024-05-29. Review status: criteria provided, single submitter. Criteria: Invitae Variant Classification Sherloc (09022015). Collection method: clinical testing. Allele origin: germline.
Comment: This sequence change creates a premature translational stop signal (p.Gly834*) in the BRCA1 gene. It is expected to result in an absent or disrupted protein product. Loss-of-function variants in BRCA1 are known to be pathogenic (PMID: 20104584). This variant is not present in population databases (gnomAD no frequency). This variant has not been reported in the literature in individuals affected with BRCA1-related conditions. ClinVar contains an entry for this variant (Variation ID: 1076402). For these reasons, this variant has been classified as Pathogenic.

Literature cited by the submitters: PubMed 35778884 (cited by Ambry Genetics); PubMed 38355628 (cited by Ambry Genetics); PubMed 20104584 (cited by Labcorp Genetics (formerly Invitae), Labcorp).